The following is an entry in ClinVar:

ClinVar aggregate classification (germline): Uncertain significance. Review status: criteria provided, multiple submitters, no conflicts (2 of 4 stars). 2 submissions from 2 submitters: Uncertain significance (2). Last evaluated 2026-04-22.

Conditions:
TCTN3-related disorder. Also called: TCTN3-related condition.
Joubert syndrome 18 (JBTS18). Identifiers: Orphanet 2754, MedGen C3553758, MONDO:0013896, OMIM 614815.
Orofacial-digital syndrome IV (OFD4). Also called: BARAITSER-BURN SYNDROME; MOHR-MAJEWSKI SYNDROME; OFD SYNDROME WITH TIBIAL DEFECTS; OFD SYNDROME, BARAITSER-BURN TYPE; OFDS IV; ORAL-FACIAL-DIGITAL SYNDROME, TYPE IV. Identifiers: Orphanet 2753, MedGen C0406727, MONDO:0009794, OMIM 258860.

Allele frequency attached by ClinVar (database versions not stated): TOPMed below 0.00001; gnomAD 0.00001; gnomAD exomes 0.00001 and 0.00002.
gnomAD v4.1: 4 of 1,551,474 alleles (0.00026%); highest among the groups gnomAD compares: Admixed American, 0.0078%; no homozygotes.

Submissions (2):

PreventionGenetics, part of Exact Sciences
Classification: Uncertain significance for TCTN3-related condition. Last evaluated: 2026-04-22. Review status: criteria provided, single submitter. Criteria: ACMG Guidelines, 2015. Collection method: clinical testing. Allele origin: germline.
Comment: The TCTN3 c.924T>G variant is predicted to result in the amino acid substitution p.Asn308Lys. To our knowledge, this variant has not been reported in the literature. This variant is reported in 0.012% of alleles in individuals of Latino descent in gnomAD. At this time, the clinical significance of this variant is uncertain due to the absence of conclusive functional and genetic evidence.

Labcorp Genetics (formerly Invitae), Labcorp
Classification: Uncertain significance for Joubert syndrome 18; Orofacial-digital syndrome IV. Last evaluated: 2022-06-27. Review status: criteria provided, single submitter. Criteria: Invitae Variant Classification Sherloc (09022015). Collection method: clinical testing. Allele origin: germline.
Comment: This sequence change replaces asparagine, which is neutral and polar, with lysine, which is basic and polar, at codon 308 of the TCTN3 protein (p.Asn308Lys). This variant is present in population databases (no rsID available, gnomAD 0.01%). This variant has not been reported in the literature in individuals affected with TCTN3-related conditions. Algorithms developed to predict the effect of missense changes on protein structure and function (SIFT, PolyPhen-2, Align-GVGD) all suggest that this variant is likely to be tolerated. In summary, the available evidence is currently insufficient to determine the role of this variant in disease. Therefore, it has been classified as a Variant of Uncertain Significance.

NM_015631.6(TCTN3):c.924T>G (p.Asn308Lys)

Gene: TCTN3 (tectonic family member 3; minus strand). Cytogenetic location: 10q24.1.
Variant type: single nucleotide variant.
Coding change: c.924T>G on transcript NM_015631.6 (MANE Select); coding-DNA position 924, T replaced by G.
Protein change: p.Asn308Lys; replaces asparagine 308 with lysine.
Molecular consequence: missense variant. On other transcripts: intron variant (1).
Genome position (GRCh38, 1-based): chr10:95,685,601, A>C on the plus strand (T>G on the coding strand, the complement: TCTN3 is on the minus strand). VCF-style: chr10-95685601-A-C. GRCh37 (hg19) VCF-style: chr10-97445358-A-C.
Other names: c.924T>G (NM_015631.5); c.651+894T>G (NM_001143973.2); short protein forms N308K.
Identifiers: ClinVar variation 1513217 (VCV001513217.6), dbSNP rs971089853, ClinGen allele CA211804359.